The following is an entry in ClinVar:

NM_178040.4(ERC1):c.48G>C (p.Gln16His)

Gene: ERC1 (ELKS/RAB6-interacting/CAST family member 1; plus strand). Cytogenetic location: 12p13.33.
Variant type: single nucleotide variant.
Coding change: c.48G>C on transcript NM_178040.4 (MANE Select); coding-DNA position 48, G replaced by C.
Protein change: p.Gln16His; replaces glutamine 16 with histidine.
Molecular consequence: missense variant. On other transcripts: non-coding transcript variant (3).
Genome position (GRCh38, 1-based): chr12:1,027,951, G>C. VCF-style: chr12-1027951-G-C. GRCh37 (hg19) VCF-style: chr12-1137117-G-C.
Other names: c.48G>C, p.Gln16His (NM_001301248.1, NM_015064.2, NM_178037.1 and 1 more transcripts); short protein forms Q16H.
Identifiers: ClinVar variation 3033364 (VCV003033364.2), dbSNP rs61740169, ClinGen allele CA6384176.

ClinVar aggregate classification (germline): Benign (0 of 4 stars; one submission).

Conditions:
ERC1-related disorder. Also called: ERC1-related condition.

Allele frequency attached by ClinVar (database versions not stated): ESP Exome Variant Server 0.00008; gnomAD exomes 0.00066; gnomAD 0.00086; ExAC 0.00147; 1000 Genomes Project 30x 0.00390; 1000 Genomes Project 0.00439.
gnomAD v4.1: 1,141 of 1,613,490 alleles (0.071%); highest among the groups gnomAD compares: East Asian, 2.1%; 13 homozygotes.

Submission:

PreventionGenetics, part of Exact Sciences
Classification: Benign for ERC1-related condition. Last evaluated: 2019-06-17. Review status: no assertion criteria provided. Collection method: clinical testing. Allele origin: germline.
Comment: This variant is classified as benign based on ACMG/AMP sequence variant interpretation guidelines (Richards et al. 2015 PMID: 25741868, with internal and published modifications).